The following is an entry in ClinVar:

ClinVar aggregate classification (germline): Benign/Likely benign. Review status: criteria provided, multiple submitters, no conflicts (2 of 4 stars). 3 submissions from 3 submitters: Benign (1); Likely benign (2). Last evaluated 2025-02-28.

Conditions:
Pheochromocytoma/paraganglioma syndrome 5. Also called: Paragangliomas 5; SDHA-Related Hereditary Paraganglioma-Pheochromocytoma Syndrome. Identifiers: Orphanet 29072, MedGen C3279992, MONDO:0013602, OMIM 614165.
Mitochondrial complex II deficiency, nuclear type 1. Also called: SUCCINATE CoQ REDUCTASE DEFICIENCY. Identifiers: Orphanet 3208, MedGen C5700310, MONDO:0100294, OMIM 252011.
Hereditary cancer-predisposing syndrome. Also called: Tumor predisposition; Neoplastic Syndromes, Hereditary; Hereditary Cancer Syndrome; Hereditary neoplastic syndrome. Identifiers: Orphanet 140162, MedGen C0027672, MeSH D009386, MONDO:0015356.

Allele frequency attached by ClinVar (database versions not stated): gnomAD exomes below 0.00001; TOPMed below 0.00001; ExAC 0.00001.
gnomAD v4.1: 2 of 1,613,510 alleles (0.00012%); highest among the groups gnomAD compares: Non-Finnish European, 0.00017%; no homozygotes.

Submissions (3):

Myriad Genetics, Inc.
Classification: Benign for Pheochromocytoma/paraganglioma syndrome 5. Last evaluated: 2025-02-28. Review status: criteria provided, single submitter. Criteria: Myriad Autosomal Dominant, Autosomal Recessive and X-Linked Classification Criteria (2023). Collection method: clinical testing. Allele origin: unknown.
Comment: This variant is considered benign. This variant is a silent/synonymous amino acid change and it is not expected to impact splicing.

Labcorp Genetics (formerly Invitae), Labcorp
Classification: Likely benign for Pheochromocytoma/paraganglioma syndrome 5; Mitochondrial complex II deficiency, nuclear type 1. Last evaluated: 2024-10-17. Review status: criteria provided, single submitter. Criteria: Invitae Variant Classification Sherloc (09022015). Collection method: clinical testing. Allele origin: germline.

Ambry Genetics
Classification: Likely benign for Hereditary cancer-predisposing syndrome. Last evaluated: 2023-06-08. Review status: criteria provided, single submitter. Criteria: Ambry Variant Classification Scheme 2023. Collection method: clinical testing. Allele origin: germline.

NM_004168.4(SDHA):c.168A>G (p.Pro56=)

Gene: SDHA (succinate dehydrogenase complex flavoprotein subunit A; plus strand). Cytogenetic location: 5p15.33.
Variant type: single nucleotide variant.
Coding change: c.168A>G on transcript NM_004168.4 (MANE Select); coding-DNA position 168, A replaced by G.
Protein change: p.Pro56=; no amino-acid change (proline 56 retained).
Molecular consequence: synonymous variant.
Genome position (GRCh38, 1-based): chr5:224,377, A>G. VCF-style: chr5-224377-A-G. GRCh37 (hg19) VCF-style: chr5-224492-A-G.
Other names: c.168A>G, p.Pro56= (NM_001294332.2, NM_001330758.2); c.168A>G (NM_004168.2).
Identifiers: ClinVar variation 1111650 (VCV001111650.12), dbSNP rs745316978, ClinGen allele CA3172746.